The following is an entry in ClinVar:

ClinVar aggregate classification (germline): Uncertain significance (1 of 4 stars; one submission).

Conditions:
Inborn genetic diseases. Identifiers: MedGen C0950123, MeSH D030342.

gnomAD v4.1: 5 of 1,613,938 alleles (0.00031%); highest among the groups gnomAD compares: South Asian, 0.0055%; no homozygotes.

Submission:

Ambry Genetics
Classification: Uncertain significance for Inborn genetic diseases. Last evaluated: 2025-05-08. Review status: criteria provided, single submitter. Criteria: Ambry Variant Classification Scheme 2023. Collection method: clinical testing. Allele origin: germline.
Comment: The p.I125M variant (also known as c.375A>G), located in coding exon 3 of the G6PC3 gene, results from an A to G substitution at nucleotide position 375. The isoleucine at codon 125 is replaced by methionine, an amino acid with highly similar properties. This amino acid position is conserved. In addition, this alteration is predicted to be tolerated by in silico analysis. Based on the available evidence, the clinical significance of this variant remains unclear.

NM_138387.4(G6PC3):c.375A>G (p.Ile125Met)

Gene: G6PC3 (glucose-6-phosphatase catalytic subunit 3; plus strand). Cytogenetic location: 17q21.31.
Variant type: single nucleotide variant.
Coding change: c.375A>G on transcript NM_138387.4 (MANE Select); coding-DNA position 375, A replaced by G.
Protein change: p.Ile125Met; replaces isoleucine 125 with methionine.
Molecular consequence: missense variant.
Genome position (GRCh38, 1-based): chr17:44,074,729, A>G. VCF-style: chr17-44074729-A-G. GRCh37 (hg19) VCF-style: chr17-42152097-A-G.
Other names: c.375A>G, p.Ile125Met (NM_001319945.2); c.30A>G, p.Ile10Met (NM_001384165.1, NM_001384166.1, NM_001384167.1 and 1 more transcripts); short protein forms I125M, I10M.
Identifiers: ClinVar variation 4027598 (VCV004027598.1).